The following is an entry in ClinVar:

NM_020884.7(MYH7B):c.2591G>A (p.Arg864Gln)

Gene: MYH7B (myosin heavy chain 7B; plus strand). Cytogenetic location: 20q11.22.
Variant type: single nucleotide variant.
Coding change: c.2591G>A on transcript NM_020884.7 (MANE Select); coding-DNA position 2591, G replaced by A.
Protein change: p.Arg864Gln; replaces arginine 864 with glutamine.
Molecular consequence: missense variant.
Genome position (GRCh38, 1-based): chr20:34,994,292, G>A. VCF-style: chr20-34994292-G-A. GRCh37 (hg19) VCF-style: chr20-33582095-G-A.
Other names: short protein forms R864Q.
Identifiers: ClinVar variation 3876500 (VCV003876500.2).
Genomic context (GRCh38, chr20:34,994,292, plus strand): 5'-AGCCGCTGCTGCGCTCGGCGCAGGCTGAGGAGGAGCTGGCGGCCCTGCGGGCAGAGCTGC[G>A]GGGGTTGCGAGGGGCGCTGGCTGCGGCCGAGGCCAAGCGCCAGGAACTGGAGGAGACGCA-3'
Protein context (NP_065935.4, residues 854-874): EELAALRAEL[Arg864Gln]GLRGALAAAE

ClinVar aggregate classification (germline): Uncertain significance. Review status: criteria provided, multiple submitters, no conflicts (2 of 4 stars). 2 submissions from 2 submitters: Uncertain significance (2). Last evaluated 2025-12-09.

gnomAD v4.1: 54 of 1,611,632 alleles (0.0034%); highest among the groups gnomAD compares: South Asian, 0.012%; 1 homozygote.

Submissions (2):

Labcorp Genetics (formerly Invitae), Labcorp
Classification: Uncertain significance. Last evaluated: 2025-12-09. Review status: criteria provided, single submitter. Criteria: Invitae Variant Classification Sherloc (09022015). Collection method: clinical testing. Allele origin: germline.
Comment: This sequence change replaces arginine, which is basic and polar, with glutamine, which is neutral and polar, at codon 906 of the MYH7B protein (p.Arg906Gln). This variant is present in population databases (rs763908485, gnomAD 0.02%). This variant has not been reported in the literature in individuals affected with MYH7B-related conditions. ClinVar contains an entry for this variant (Variation ID: 3876500). Invitae Evidence Modeling of protein sequence and biophysical properties (such as structural, functional, and spatial information, amino acid conservation, physicochemical variation, residue mobility, and thermodynamic stability) indicates that this missense variant is not expected to disrupt MYH7B protein function with a negative predictive value of 80%. In summary, the available evidence is currently insufficient to determine the role of this variant in disease. Therefore, it has been classified as a Variant of Uncertain Significance.

Ambry Genetics
Classification: Uncertain significance. Last evaluated: 2025-01-01. Review status: criteria provided, single submitter. Criteria: Ambry Variant Classification Scheme 2023. Collection method: clinical testing. Allele origin: germline.